The following is an entry in ClinVar:

NM_004281.4(BAG3):c.1423G>T (p.Asp475Tyr)

Gene: BAG3 (BAG cochaperone 3; plus strand). Cytogenetic location: 10q26.11.
Variant type: single nucleotide variant.
Coding change: c.1423G>T on transcript NM_004281.4 (MANE Select); coding-DNA position 1423, G replaced by T.
Protein change: p.Asp475Tyr; replaces aspartic acid 475 with tyrosine.
Molecular consequence: missense variant.
Genome position (GRCh38, 1-based): chr10:119,676,977, G>T. VCF-style: chr10-119676977-G-T. GRCh37 (hg19) VCF-style: chr10-121436489-G-T.
Other names: short protein forms D475Y.
Identifiers: ClinVar variation 3758785 (VCV003758785.2).

ClinVar aggregate classification (germline): Uncertain significance (1 of 4 stars; one submission).

Conditions:
Dilated cardiomyopathy 1HH (CMD1HH). Identifiers: Orphanet 154, MedGen C3151293, MONDO:0013479, OMIM 613881.
Myofibrillar myopathy 6. Identifiers: Orphanet 199340, MedGen C2751831, MONDO:0013061, OMIM 612954.

Submission:

Labcorp Genetics (formerly Invitae), Labcorp
Classification: Uncertain significance for Dilated cardiomyopathy 1HH; Myofibrillar myopathy 6. Last evaluated: 2024-12-19. Review status: criteria provided, single submitter. Criteria: Invitae Variant Classification Sherloc (09022015). Collection method: clinical testing. Allele origin: germline.
Comment: This sequence change replaces aspartic acid, which is acidic and polar, with tyrosine, which is neutral and polar, at codon 475 of the BAG3 protein (p.Asp475Tyr). This variant is not present in population databases (gnomAD no frequency). This variant has not been reported in the literature in individuals affected with BAG3-related conditions. Invitae Evidence Modeling of protein sequence and biophysical properties (such as structural, functional, and spatial information, amino acid conservation, physicochemical variation, residue mobility, and thermodynamic stability) indicates that this missense variant is expected to disrupt BAG3 protein function with a positive predictive value of 80%. In summary, the available evidence is currently insufficient to determine the role of this variant in disease. Therefore, it has been classified as a Variant of Uncertain Significance.